The following is an entry in ClinVar:

NM_177559.3(CSNK2A1):c.491T>G (p.Ile164Ser)

Gene: CSNK2A1 (casein kinase 2 alpha 1; minus strand). Cytogenetic location: 20p13.
Variant type: single nucleotide variant.
Coding change: c.491T>G on transcript NM_177559.3 (MANE Select); coding-DNA position 491, T replaced by G.
Protein change: p.Ile164Ser; replaces isoleucine 164 with serine.
Molecular consequence: missense variant.
Genome position (GRCh38, 1-based): chr20:495,738, A>C on the plus strand (T>G on the coding strand, the complement: CSNK2A1 is on the minus strand). VCF-style: chr20-495738-A-C. GRCh37 (hg19) VCF-style: chr20-476382-A-C.
Other names: c.491T>G, p.Ile164Ser (NM_001362770.2, NM_001362771.2, NM_001895.4); c.83T>G, p.Ile28Ser (NM_177560.3); short protein forms I164S, I28S.
Identifiers: ClinVar variation 4538885 (VCV004538885.1).

ClinVar aggregate classification (germline): Uncertain significance (1 of 4 stars; one submission).

Submission:

GeneDx
Classification: Uncertain significance. Last evaluated: 2025-06-20. Review status: criteria provided, single submitter. Criteria: GeneDx Variant Classification Process June 2021. Collection method: clinical testing. Allele origin: germline. Affected: yes.
Comment: Not observed at significant frequency in large population cohorts (gnomAD); In silico analysis supports that this missense variant has a deleterious effect on protein structure/function; Has not been previously published as pathogenic or benign to our knowledge